The following is an entry in ClinVar:

NM_000123.4(ERCC5):c.1974A>G (p.Gln658=)

Genes: BIVM-ERCC5 (BIVM-ERCC5 readthrough; plus strand), ERCC5 (ERCC excision repair 5, endonuclease; plus strand). Cytogenetic location: 13q33.1.
Variant type: single nucleotide variant.
Coding change: c.1974A>G on transcript NM_000123.4 (MANE Select); coding-DNA position 1974, A replaced by G.
Protein change: p.Gln658=; no amino-acid change (glutamine 658 retained).
Molecular consequence: synonymous variant.
Genome position (GRCh38, 1-based): chr13:102,865,686, A>G. VCF-style: chr13-102865686-A-G. GRCh37 (hg19) VCF-style: chr13-103518036-A-G.
Other names: c.3336A>G, p.Gln1112= (NM_001204425.2).
Identifiers: ClinVar variation 728969 (VCV000728969.15), dbSNP rs55686372, ClinGen allele CA7041507.

ClinVar aggregate classification (germline): Benign/Likely benign. Review status: criteria provided, multiple submitters, no conflicts (2 of 4 stars). 4 submissions from 4 submitters: Benign (3); Likely benign (1). Last evaluated 2026-01-28.

Conditions:
Xeroderma pigmentosum, group G (XPG). Also called: XERODERMA PIGMENTOSUM VII; XP, GROUP G; Xeroderma pigmentosum type 7; ERCC5-Related Xeroderma Pigmentosum. Identifiers: MedGen C0268141, MONDO:0010216, OMIM 278780.

Allele frequency attached by ClinVar (database versions not stated): gnomAD exomes 0.00125; ExAC 0.00177; gnomAD 0.00510 and 0.00552; 1000 Genomes Project 0.00539; 1000 Genomes Project 30x 0.00562; ESP Exome Variant Server 0.00569; TOPMed 0.00579.
gnomAD v4.1: 1,488 of 1,613,746 alleles (0.092%); highest among the groups gnomAD compares: African/African-American, 1.8%; 21 homozygotes.

Submissions (4):

Labcorp Genetics (formerly Invitae), Labcorp
Classification: Benign. Last evaluated: 2026-01-28. Review status: criteria provided, single submitter. Criteria: Invitae Variant Classification Sherloc (09022015). Collection method: clinical testing. Allele origin: germline.

Blueprint Genetics
Classification: Likely benign. Last evaluated: 2024-11-26. Review status: criteria provided, single submitter. Criteria: ACMG Guidelines, 2015. Collection method: clinical testing. Allele origin: germline.

Illumina Laboratory Services, Illumina
Classification: Benign for Xeroderma pigmentosum, group G. Last evaluated: 2018-01-13. Review status: criteria provided, single submitter. Criteria: ICSL Variant Classification Criteria 13 December 2019. Collection method: clinical testing. Allele origin: germline.
Comment: This variant was observed in the ICSL laboratory as part of a predisposition screen in an ostensibly healthy population. It had not been previously curated by ICSL or reported in the Human Gene Mutation Database (HGMD: prior to June 1st, 2018), and was therefore a candidate for classification through an automated scoring system. Utilizing variant allele frequency, disease prevalence and penetrance estimates, and inheritance mode, an automated score was calculated to assess if this variant is too frequent to cause the disease. Based on the score and internal cut-off values, a variant classified as benign is not then subjected to further curation. The score for this variant resulted in a classification of benign for this disease.

Breakthrough Genomics
Classification: Benign. Review status: criteria provided, single submitter. Criteria: ACMG Guidelines, 2015. Collection method: not provided. Allele origin: germline. Inheritance: Autosomal recessive inheritance. Affected: yes.